The following is an entry in ClinVar:

NM_001042424.3(NSD2):c.401A>G (p.Asn134Ser)

Gene: NSD2 (nuclear receptor binding SET domain protein 2; plus strand). Cytogenetic location: 4p16.3.
Variant type: single nucleotide variant.
Coding change: c.401A>G on transcript NM_001042424.3 (MANE Select); coding-DNA position 401, A replaced by G.
Protein change: p.Asn134Ser; replaces asparagine 134 with serine.
Molecular consequence: missense variant.
Genome position (GRCh38, 1-based): chr4:1,901,055, A>G. VCF-style: chr4-1901055-A-G. GRCh37 (hg19) VCF-style: chr4-1902782-A-G.
Other names: c.401A>G, p.Asn134Ser (NM_007331.2, NM_133330.3, NM_133331.3 and 2 more transcripts); short protein forms N134S.
Identifiers: ClinVar variation 3370012 (VCV003370012.2).

ClinVar aggregate classification (germline): Uncertain significance (1 of 4 stars; one submission).

gnomAD v4.1: 1 of 1,614,236 alleles (0.000062%); highest among the groups gnomAD compares: East Asian, 0.0022%; no homozygotes.

Submission:

GeneDx
Classification: Uncertain significance. Last evaluated: 2026-04-29. Review status: criteria provided, single submitter. Criteria: GeneDx Variant Classification Process June 2021. Collection method: clinical testing. Allele origin: germline.
Comment: Has not been previously published as pathogenic or benign to our knowledge; Not observed at significant frequency in large population cohorts (gnomAD); In silico analysis supports that this missense variant has a deleterious effect on protein structure/function